The following is an entry in ClinVar:

ClinVar aggregate classification (germline): Uncertain significance (1 of 4 stars; one submission).

Conditions:
Hereditary cancer-predisposing syndrome. Also called: Neoplastic Syndromes, Hereditary; Tumor predisposition; Hereditary Cancer Syndrome; Hereditary neoplastic syndrome. Identifiers: Orphanet 140162, MedGen C0027672, MeSH D009386, MONDO:0015356.

Submission:

Ambry Genetics
Classification: Uncertain significance for Hereditary cancer-predisposing syndrome. Last evaluated: 2025-10-03. Review status: criteria provided, single submitter. Criteria: Ambry Variant Classification Scheme 2023. Collection method: clinical testing. Allele origin: germline.
Comment: The p.F997I variant (also known as c.2989T>A), located in coding exon 25 of the EGFR gene, results from a T to A substitution at nucleotide position 2989. The phenylalanine at codon 997 is replaced by isoleucine, an amino acid with highly similar properties. This amino acid position is conserved. In addition, this alteration is predicted to be tolerated by in silico analysis. Based on the available evidence, the clinical significance of this variant remains unclear.

NM_005228.5(EGFR):c.2989T>A (p.Phe997Ile)

Gene: EGFR (epidermal growth factor receptor; plus strand). Cytogenetic location: 7p11.2.
Variant type: single nucleotide variant.
Coding change: c.2989T>A on transcript NM_005228.5 (MANE Select); coding-DNA position 2989, T replaced by A.
Protein change: p.Phe997Ile; replaces phenylalanine 997 with isoleucine.
Molecular consequence: missense variant.
Genome position (GRCh38, 1-based): chr7:55,201,230, T>A. VCF-style: chr7-55201230-T-A. GRCh37 (hg19) VCF-style: chr7-55268923-T-A.
Other names: c.2854T>A, p.Phe952Ile (NM_001346897.2, NM_001346899.2); c.2989T>A, p.Phe997Ile (NM_001346898.2); c.2830T>A, p.Phe944Ile (NM_001346900.2); c.2188T>A, p.Phe730Ile (NM_001346941.2); short protein forms F944I, F997I, F730I, F952I.
Identifiers: ClinVar variation 4638724 (VCV004638724.1).